The following is an entry in ClinVar:

ClinVar aggregate classification (germline): Likely pathogenic (1 of 4 stars; one submission).

Conditions:
Bietti crystalline corneoretinal dystrophy (BCD). Also called: Bietti Crystalline Dystrophy; BIETTI TAPETORETINAL DEGENERATION WITH MARGINAL CORNEAL DYSTROPHY. Identifiers: Orphanet 41751, MedGen C1859486, MONDO:0008865, OMIM 210370.

Submission:

First Genomix Gene Laboratory, Genetic Diagnostics Department
Classification: Likely pathogenic for Bietti crystalline corneoretinal dystrophy. Last evaluated: 2025-09-17. Review status: criteria provided, single submitter. Criteria: ACMG Guidelines, 2015. Collection method: clinical testing. Allele origin: germline. Inheritance: Autosomal recessive inheritance. Affected: no. Observed: 1 variant allele.

NM_000360.4(TH):c.829del (p.Arg277fs)

Gene: TH (tyrosine hydroxylase; minus strand). Cytogenetic location: 11p15.5.
Variant type: Deletion.
Coding change: c.829del on transcript NM_000360.4 (MANE Select); coding-DNA position 829, one base deleted (C; older notation c.829delC).
Protein change: p.Arg277fs; shifts the reading frame from arginine 277.
Molecular consequence: frameshift variant. On other transcripts: intron variant (2).
Genome position (GRCh38, 1-based): chr11:2,166,899, G deleted on the plus strand (C on the coding strand, the reverse complement: TH is on the minus strand); the first of 3 consecutive G bases (chr11:2,166,899-2,166,901); deleting any one gives the same sequence. VCF-style (leftmost placement, unchanged base first): chr11-2166898-CG-C. GRCh37 (hg19) VCF-style: chr11-2188128-CG-C.
Other names: c.841del, p.Arg281fs (NM_001440535.1); c.922del, p.Arg308fs (NM_199292.3); c.910del, p.Arg304fs (NM_199293.3); c.696-350del (NM_001440537.1); c.708-350del (NM_001440536.1); c.922delC (NM_199292.3); short protein forms R277fs, R281fs, R304fs, R308fs.
Identifiers: ClinVar variation 4850354 (VCV004850354.1).